The following is an entry in ClinVar:

NM_001040142.2(SCN2A):c.160A>G (p.Ser54Gly)

Gene: SCN2A (sodium voltage-gated channel alpha subunit 2; plus strand). Cytogenetic location: 2q24.3.
Variant type: single nucleotide variant.
Coding change: c.160A>G on transcript NM_001040142.2 (MANE Select); coding-DNA position 160, A replaced by G.
Protein change: p.Ser54Gly; replaces serine 54 with glycine.
Molecular consequence: missense variant.
Genome position (GRCh38, 1-based): chr2:165,295,983, A>G. VCF-style: chr2-165295983-A-G. GRCh37 (hg19) VCF-style: chr2-166152493-A-G.
Other names: c.160A>G, p.Ser54Gly (NM_001040143.2, NM_001371246.1, NM_001371247.1 and 1 more transcripts); short protein forms S54G.
Identifiers: ClinVar variation 1700486 (VCV001700486.7), dbSNP rs557687080, ClinGen allele CA59719633.

ClinVar aggregate classification (germline): Uncertain significance. Review status: criteria provided, multiple submitters, no conflicts (2 of 4 stars). 2 submissions from 2 submitters: Uncertain significance (2). Last evaluated 2026-01-29.

gnomAD v4.1: 4 of 1,614,168 alleles (0.00025%); highest among the groups gnomAD compares: African/African-American, 0.0027%; no homozygotes.

Submissions (2):

GeneDx
Classification: Uncertain significance. Last evaluated: 2026-01-29. Review status: criteria provided, single submitter. Criteria: GeneDx Variant Classification Process June 2021. Collection method: clinical testing. Allele origin: germline. Affected: yes.
Comment: Not observed at significant frequency in large population cohorts (gnomAD); In silico analysis supports that this missense variant has a deleterious effect on protein structure/function; This substitution is predicted to be within the N-terminal cytoplasmic domain; Has not been previously published as pathogenic or benign to our knowledge

Blueprint Genetics
Classification: Uncertain significance. Last evaluated: 2018-08-24. Review status: criteria provided, single submitter. Criteria: ACMG Guidelines, 2015. Collection method: clinical testing. Allele origin: germline.